The following is an entry in ClinVar:

ClinVar aggregate classification (germline): Conflicting classifications of pathogenicity. Review status: criteria provided, conflicting classifications (1 of 4 stars). 7 submissions from 7 submitters: Uncertain significance (2); Likely benign (4). 1 of the submissions does not count toward it. Last evaluated 2025-12-22.

Conditions:
Inborn genetic diseases. Identifiers: MedGen C0950123, MeSH D030342.
SZT2-related disorder. Also called: SZT2-related condition.

Allele frequency attached by ClinVar (database versions not stated): gnomAD exomes 0.00009 and 0.00020; ExAC 0.00024; 1000 Genomes Project 30x 0.00047; 1000 Genomes Project 0.00060; gnomAD 0.00062 and 0.00068; TOPMed 0.00073; ESP Exome Variant Server 0.00108.

Submissions (7):

Women's Health and Genetics/Laboratory Corporation of America, LabCorp
Classification: Likely benign. Last evaluated: 2025-12-22. Review status: criteria provided, single submitter. Criteria: LabCorp Variant Classification Summary - May 2015. Collection method: clinical testing. Allele origin: germline.
Comment: Variant summary: SZT2 c.6806G>A (p.Arg2269Gln) results in a conservative amino acid change in the encoded protein sequence. Algorithms developed to predict the effect of missense changes on protein structure and function all suggest that this variant is likely to be tolerated. The variant allele was found at a frequency of 0.0002 in 248912 control chromosomes, predominantly at a frequency of 0.0027 within the African or African-American subpopulation in the gnomAD database. The observed variant frequency within African or African-American control individuals in the gnomAD database exceeds the estimated maximal expected allele frequency for disease-causing variants in SZT2. To our knowledge, no occurrence of c.6806G>A in individuals affected with SZT2-related conditions and no experimental evidence demonstrating its impact on protein function have been reported. ClinVar contains an entry for this variant (Variation ID: 586770). Based on the evidence outlined above, the variant was classified as likely benign.

Labcorp Genetics (formerly Invitae), Labcorp
Classification: Likely benign. Last evaluated: 2025-11-24. Review status: criteria provided, single submitter. Criteria: Invitae Variant Classification Sherloc (09022015). Collection method: clinical testing. Allele origin: germline.

GeneDx
Classification: Uncertain significance. Last evaluated: 2025-09-25. Review status: criteria provided, single submitter. Criteria: GeneDx Variant Classification Process June 2021. Collection method: clinical testing. Allele origin: germline.
Comment: In silico analysis suggests that this missense variant does not alter protein structure/function; Has not been previously published as pathogenic or benign to our knowledge

Blueprint Genetics
Classification: Likely benign. Last evaluated: 2024-10-07. Review status: criteria provided, single submitter. Criteria: ACMG Guidelines, 2015. Collection method: clinical testing. Allele origin: germline.

Ambry Genetics
Classification: Likely benign for Inborn genetic diseases. Last evaluated: 2018-07-13. Review status: criteria provided, single submitter. Criteria: Ambry Variant Classification Scheme 2023. Collection method: clinical testing. Allele origin: germline.

Athena Diagnostics
Classification: Uncertain significance. Last evaluated: 2018-06-12. Review status: criteria provided, single submitter. Criteria: Athena Diagnostics Criteria. Collection method: clinical testing. Allele origin: germline.

PreventionGenetics, part of Exact Sciences
Classification: Likely benign for SZT2-related condition. Last evaluated: 2022-02-15. Review status: no assertion criteria provided. Collection method: clinical testing. Allele origin: germline. Not counted in ClinVar's aggregate classification.
Comment: This variant is classified as likely benign based on ACMG/AMP sequence variant interpretation guidelines (Richards et al. 2015 PMID: 25741868, with internal and published modifications).

NM_001365999.1(SZT2):c.6977G>A (p.Arg2326Gln)

Gene: SZT2 (SZT2 subunit of KICSTOR complex; plus strand). Cytogenetic location: 1p34.2.
Variant type: single nucleotide variant.
Coding change: c.6977G>A on transcript NM_001365999.1 (MANE Select); coding-DNA position 6977, G replaced by A.
Protein change: p.Arg2326Gln; replaces arginine 2326 with glutamine.
Molecular consequence: missense variant.
Genome position (GRCh38, 1-based): chr1:43,439,704, G>A. VCF-style: chr1-43439704-G-A. GRCh37 (hg19) VCF-style: chr1-43905375-G-A.
Other names: c.6806G>A, p.Arg2269Gln (NM_015284.4); short protein forms R2269Q, R2326Q.
Identifiers: ClinVar variation 586770 (VCV000586770.24), dbSNP rs146140125, ClinGen allele CA810069.
Genomic context (GRCh38, chr1:43,439,704, plus strand): 5'-GGGCCCCCTTGTCACTGGCGTTGTGGCCCCCCTCCTCTCCGGGGCCCCCAGACCCACTGC[G>A]AGAGGAGGAATTTGAGCAACTGACCCAGGTCATCCGCTGCCCGGTTGTTGTGGACAGTTC-3'
Protein context (NP_001352928.1, residues 2316-2336): PSSPGPPDPL[Arg2326Gln]EEEFEQLTQV